The following is an entry in ClinVar:

NM_001375524.1(TRRAP):c.10304C>T (p.Thr3435Met)

Gene: TRRAP (transformation/transcription domain associated protein; plus strand). Cytogenetic location: 7q22.1.
Variant type: single nucleotide variant.
Coding change: c.10304C>T on transcript NM_001375524.1 (MANE Select); coding-DNA position 10304, C replaced by T.
Protein change: p.Thr3435Met; replaces threonine 3435 with methionine.
Molecular consequence: missense variant.
Genome position (GRCh38, 1-based): chr7:98,994,843, C>T. VCF-style: chr7-98994843-C-T. GRCh37 (hg19) VCF-style: chr7-98592466-C-T.
Other names: c.10262C>T, p.Thr3421Met (NM_001244580.2); c.10175C>T, p.Thr3392Met (NM_003496.4); short protein forms T3435M, T3392M, T3421M.
Identifiers: ClinVar variation 2760095 (VCV002760095.4), dbSNP rs759277860, ClinGen allele CA4361889.
Genomic context (GRCh38, chr7:98,994,843, plus strand): 5'-CCCGGCGGGCGCAGGCCACTGCACAAGACCCTGTCTTTCAGAAGCTGAAAGGCCAGTTCA[C>T]GACGGGTGAGTCTCCATTTTCCTTCCCTTCCATAGGGAGAATTGTGCACGCTGATTTCCT-3'
Protein context (NP_001362453.1, residues 3425-3445): PVFQKLKGQF[Thr3435Met]TDFDFSVPGS

ClinVar aggregate classification (germline): Uncertain significance. Review status: criteria provided, multiple submitters, no conflicts (2 of 4 stars). 2 submissions from 2 submitters: Uncertain significance (2). Last evaluated 2024-12-18.

Allele frequency attached by ClinVar (database versions not stated): ExAC 0.00001; gnomAD exomes 0.00001.
gnomAD v4.1: 3 of 1,609,012 alleles (0.00019%); highest among the groups gnomAD compares: East Asian, 0.0022%; no homozygotes.

Submissions (2):

Women's Health and Genetics/Laboratory Corporation of America, LabCorp
Classification: Uncertain significance. Last evaluated: 2024-12-18. Review status: criteria provided, single submitter. Criteria: LabCorp Variant Classification Summary - May 2015. Collection method: clinical testing. Allele origin: germline.
Comment: Variant summary: TRRAP c.10175C>T (p.Thr3392Met) results in a non-conservative amino acid change in the encoded protein sequence. Four of five in-silico tools predict a damaging effect of the variant on protein function. The variant allele was found at a frequency of 4e-06 in 250562 control chromosomes. The available data on variant occurrences in the general population are insufficient to allow any conclusion about variant significance. To our knowledge, no occurrence of c.10175C>T in individuals affected with Developmental Delay With Or Without Dysmorphic Facies And Autism and no experimental evidence demonstrating its impact on protein function have been reported. ClinVar contains an entry for this variant (Variation ID: 2760095). Based on the evidence outlined above, the variant was classified as uncertain significance.

Labcorp Genetics (formerly Invitae), Labcorp
Classification: Uncertain significance. Last evaluated: 2023-09-11. Review status: criteria provided, single submitter. Criteria: Invitae Variant Classification Sherloc (09022015). Collection method: clinical testing. Allele origin: germline.
Comment: In summary, the available evidence is currently insufficient to determine the role of this variant in disease. Therefore, it has been classified as a Variant of Uncertain Significance. Advanced modeling of protein sequence and biophysical properties (such as structural, functional, and spatial information, amino acid conservation, physicochemical variation, residue mobility, and thermodynamic stability) has been performed at Invitae for this missense variant, however the output from this modeling did not meet the statistical confidence thresholds required to predict the impact of this variant on TRRAP protein function. This variant has not been reported in the literature in individuals affected with TRRAP-related conditions. This variant is present in population databases (rs759277860, gnomAD 0.0009%). This sequence change replaces threonine, which is neutral and polar, with methionine, which is neutral and non-polar, at codon 3392 of the TRRAP protein (p.Thr3392Met).